The following is an entry in ClinVar:

ClinVar aggregate classification (germline): Uncertain significance (1 of 4 stars; one submission).

Conditions:
Renal cell carcinoma. Identifiers: Orphanet 217071, MedGen C0007134, MeSH D002292, MONDO:0005086, HP:0005584.

Allele frequency attached by ClinVar (database versions not stated): gnomAD exomes below 0.00001.
gnomAD v4.1: 1 of 1,613,808 alleles (0.000062%); highest among the groups gnomAD compares: South Asian, 0.0011%; no homozygotes.

Submission:

Labcorp Genetics (formerly Invitae), Labcorp
Classification: Uncertain significance for Renal cell carcinoma. Last evaluated: 2021-04-26. Review status: criteria provided, single submitter. Criteria: Invitae Variant Classification Sherloc (09022015). Collection method: clinical testing. Allele origin: germline.
Comment: In summary, the available evidence is currently insufficient to determine the role of this variant in disease. Therefore, it has been classified as a Variant of Uncertain Significance. Algorithms developed to predict the effect of missense changes on protein structure and function (SIFT, PolyPhen-2, Align-GVGD) all suggest that this variant is likely to be tolerated, but these predictions have not been confirmed by published functional studies and their clinical significance is uncertain. This variant has not been reported in the literature in individuals with MET-related conditions. This variant is not present in population databases (ExAC no frequency). This sequence change replaces asparagine with lysine at codon 730 of the MET protein (p.Asn730Lys). The asparagine residue is weakly conserved and there is a moderate physicochemical difference between asparagine and lysine.

NM_000245.4(MET):c.2190C>G (p.Asn730Lys)

Gene: MET (MET proto-oncogene, receptor tyrosine kinase; plus strand). Cytogenetic location: 7q31.2.
Variant type: single nucleotide variant.
Coding change: c.2190C>G on transcript NM_000245.4 (MANE Select); coding-DNA position 2190, C replaced by G.
Protein change: p.Asn730Lys; replaces asparagine 730 with lysine.
Molecular consequence: missense variant.
Genome position (GRCh38, 1-based): chr7:116,758,546, C>G. VCF-style: chr7-116758546-C-G. GRCh37 (hg19) VCF-style: chr7-116398600-C-G.
Other names: c.2190C>G, p.Asn730Lys (NM_001127500.3, NM_001324401.3); c.900C>G, p.Asn300Lys (NM_001324402.2); short protein forms N730K, N300K.
Identifiers: ClinVar variation 1469546 (VCV001469546.8), dbSNP rs2116931541, ClinGen allele CA368980674.
Genomic context (GRCh38, chr7:116,758,546, plus strand): 5'-TACCCCAGCCCAAACCATTTCAACTGAGTTTGCTGTTAAATTGAAAATTGACTTAGCCAA[C>G]CGAGAGACAAGCATCTTCAGTTACCGTGAAGATCCCATTGTCTATGAAATTCATCCAACC-3'
Protein context (NP_000236.2, residues 720-740): FAVKLKIDLA[Asn730Lys]RETSIFSYRE